The following is an entry in ClinVar:

ClinVar aggregate classification (germline): Uncertain significance (1 of 4 stars; one submission).

Conditions:
Joubert syndrome. Also called: CEREBELLOPARENCHYMAL DISORDER IV; JOUBERT-BOLTSHAUSER SYNDROME; Familial aplasia of the vermis. Identifiers: Orphanet 475, MedGen C5979921, MONDO:0018772.
Meckel-Gruber syndrome. Also called: DYSENCEPHALIA SPLANCHNOCYSTICA; GRUBER SYNDROME; Dysencephalia splachnocystica. Identifiers: Orphanet 564, MedGen C0265215, MONDO:0018921.

gnomAD v4.1: 2 of 1,613,962 alleles (0.00012%); highest among the groups gnomAD compares: Non-Finnish European, 0.00017%; no homozygotes.

Submission:

Labcorp Genetics (formerly Invitae), Labcorp
Classification: Uncertain significance for Joubert syndrome; Meckel-Gruber syndrome. Last evaluated: 2023-03-09. Review status: criteria provided, single submitter. Criteria: Invitae Variant Classification Sherloc (09022015). Collection method: clinical testing. Allele origin: germline.
Comment: In summary, the available evidence is currently insufficient to determine the role of this variant in disease. Therefore, it has been classified as a Variant of Uncertain Significance. This sequence change replaces proline, which is neutral and non-polar, with threonine, which is neutral and polar, at codon 42 of the B9D1 protein (p.Pro42Thr). This variant is not present in population databases (gnomAD no frequency). This variant has not been reported in the literature in individuals affected with B9D1-related conditions. ClinVar contains an entry for this variant (Variation ID: 1355176). An algorithm developed to predict the effect of missense changes on protein structure and function (PolyPhen-2) suggests that this variant is likely to be tolerated.

NM_015681.6(B9D1):c.124C>A (p.Pro42Thr)

Gene: B9D1 (B9 domain containing 1; minus strand). Cytogenetic location: 17p11.2.
Variant type: single nucleotide variant.
Coding change: c.124C>A on transcript NM_015681.6 (MANE Select); coding-DNA position 124, C replaced by A.
Protein change: p.Pro42Thr; replaces proline 42 with threonine.
Molecular consequence: missense variant. On other transcripts: 5 prime UTR variant (1).
Genome position (GRCh38, 1-based): chr17:19,360,328, G>T on the plus strand (C>A on the coding strand, the complement: B9D1 is on the minus strand). VCF-style: chr17-19360328-G-T. GRCh37 (hg19) VCF-style: chr17-19263641-G-T.
Other names: c.124C>A, p.Pro42Thr (NM_001321214.2, NM_001321215.3, NM_001321216.2 and 4 more transcripts); c.-237C>A (NM_001368769.2); short protein forms P42T.
Identifiers: ClinVar variation 1355176 (VCV001355176.8), dbSNP rs2152276151, ClinGen allele CA398699302.